The following is an entry in ClinVar:

ClinVar aggregate classification (germline): Uncertain significance (1 of 4 stars; one submission).

Submission:

GeneDx
Classification: Uncertain significance. Last evaluated: 2024-06-26. Review status: criteria provided, single submitter. Criteria: GeneDx Variant Classification Process June 2021. Collection method: clinical testing. Allele origin: germline. Affected: yes.
Comment: Not observed at significant frequency in large population cohorts (gnomAD); In silico analysis supports that this missense variant has a deleterious effect on protein structure/function; Has not been previously published as pathogenic or benign to our knowledge

NM_138927.4(SON):c.5945G>T (p.Ser1982Ile)

Gene: SON (SON DNA and RNA binding protein; plus strand). Cytogenetic location: 21q22.11.
Variant type: single nucleotide variant.
Coding change: c.5945G>T on transcript NM_138927.4 (MANE Select); coding-DNA position 5945, G replaced by T.
Protein change: p.Ser1982Ile; replaces serine 1982 with isoleucine.
Molecular consequence: missense variant. On other transcripts: non-coding transcript variant (1), intron variant (1).
Genome position (GRCh38, 1-based): chr21:33,555,176, G>T. VCF-style: chr21-33555176-G-T. GRCh37 (hg19) VCF-style: chr21-34927482-G-T.
Other names: c.5945G>T, p.Ser1982Ile (NM_001291411.2, NM_032195.3); c.245-1980G>T (NM_001291412.3); short protein forms S1982I.
Identifiers: ClinVar variation 3392577 (VCV003392577.1).